The following is an entry in ClinVar:

NM_021072.4(HCN1):c.654A>C (p.Leu218Phe)

Gene: HCN1 (hyperpolarization activated cyclic nucleotide gated potassium channel 1; minus strand). Cytogenetic location: 5p12.
Variant type: single nucleotide variant.
Coding change: c.654A>C on transcript NM_021072.4 (MANE Select); coding-DNA position 654, A replaced by C.
Protein change: p.Leu218Phe; replaces leucine 218 with phenylalanine.
Molecular consequence: missense variant.
Genome position (GRCh38, 1-based): chr5:45,645,380, T>G on the plus strand (A>C on the coding strand, the complement: HCN1 is on the minus strand). VCF-style: chr5-45645380-T-G. GRCh37 (hg19) VCF-style: chr5-45645482-T-G.
Other names: short protein forms L218F.
Identifiers: ClinVar variation 4532771 (VCV004532771.1).

ClinVar aggregate classification (germline): Uncertain significance (1 of 4 stars; one submission).

Submission:

GeneDx
Classification: Uncertain significance. Last evaluated: 2025-05-31. Review status: criteria provided, single submitter. Criteria: GeneDx Variant Classification Process June 2021. Collection method: clinical testing. Allele origin: germline. Affected: yes.
Comment: Not observed at significant frequency in large population cohorts (gnomAD); In silico analysis supports that this missense variant has a deleterious effect on protein structure/function; Has not been previously published as pathogenic or benign to our knowledge